The following is an entry in ClinVar:

NM_153460.4(IL17RC):c.1576T>G (p.Phe526Val)

Gene: IL17RC (interleukin 17 receptor C; plus strand). Cytogenetic location: 3p25.3.
Variant type: single nucleotide variant.
Coding change: c.1576T>G on transcript NM_153460.4 (MANE Select); coding-DNA position 1576, T replaced by G.
Protein change: p.Phe526Val; replaces phenylalanine 526 with valine.
Molecular consequence: missense variant. On other transcripts: non-coding transcript variant (1).
Genome position (GRCh38, 1-based): chr3:9,933,006, T>G. VCF-style: chr3-9933006-T-G. GRCh37 (hg19) VCF-style: chr3-9974690-T-G.
Other names: c.1537T>G, p.Phe513Val (NM_001203263.2); c.1486T>G, p.Phe496Val (NM_001203264.2); c.1480T>G, p.Phe494Val (NM_001203265.2); c.1498T>G, p.Phe500Val (NM_001367278.1); c.1417T>G, p.Phe473Val (NM_001367279.1); c.1492T>G, p.Phe498Val (NM_001367280.1); c.1441T>G, p.Phe481Val (NM_001410711.1); c.1531T>G, p.Phe511Val (NM_032732.6); and 1 more; short protein forms F481V, F511V, F513V, F597V, F473V, F494V, F526V, F498V.
Identifiers: ClinVar variation 3685947 (VCV003685947.2).
Genomic context (GRCh38, chr3:9,933,006, plus strand): 5'-CCGGCAGCGGCCGCCAGGGGCCGCGCGGCTCTGCTCCTCTACTCAGCCGATGACTCGGGT[T>G]TCGAGCGCCTGGTGGGCGCCCTGGCGTCGGCCCTGTGCCAGCTGCCGCTGCGCGTGGCCG-3'
Protein context (NP_703190.2, residues 516-536): LLLYSADDSG[Phe526Val]ERLVGALASA

ClinVar aggregate classification (germline): Uncertain significance (1 of 4 stars; one submission).

Conditions:
Candidiasis, familial, 9 (CANDF9). Identifiers: Orphanet 1334, MedGen C4225324, MONDO:0014642, OMIM 616445.

gnomAD v4.1: 1 of 1,570,184 alleles (0.000064%); highest among the groups gnomAD compares: Non-Finnish European, 0.000086%; no homozygotes.

Submission:

Labcorp Genetics (formerly Invitae), Labcorp
Classification: Uncertain significance for Candidiasis, familial, 9. Last evaluated: 2024-12-26. Review status: criteria provided, single submitter. Criteria: Invitae Variant Classification Sherloc (09022015). Collection method: clinical testing. Allele origin: germline.
Comment: This sequence change replaces phenylalanine, which is neutral and non-polar, with valine, which is neutral and non-polar, at codon 597 of the IL17RC protein (p.Phe597Val). This variant is not present in population databases (gnomAD no frequency). This variant has not been reported in the literature in individuals affected with IL17RC-related conditions. An algorithm developed to predict the effect of missense changes on protein structure and function (PolyPhen-2) suggests that this variant is likely to be disruptive. In summary, the available evidence is currently insufficient to determine the role of this variant in disease. Therefore, it has been classified as a Variant of Uncertain Significance.